The following is an entry in ClinVar:

NM_001244008.2(KIF1A):c.4874C>A (p.Pro1625Gln)

Gene: KIF1A (kinesin family member 1A; minus strand). Cytogenetic location: 2q37.3.
Variant type: single nucleotide variant.
Coding change: c.4874C>A on transcript NM_001244008.2 (MANE Select); coding-DNA position 4874, C replaced by A.
Protein change: p.Pro1625Gln; replaces proline 1625 with glutamine.
Molecular consequence: missense variant.
Genome position (GRCh38, 1-based): chr2:240,719,921, G>T on the plus strand (C>A on the coding strand, the complement: KIF1A is on the minus strand). VCF-style: chr2-240719921-G-T. GRCh37 (hg19) VCF-style: chr2-241659338-G-T.
Other names: c.4598C>A, p.Pro1533Gln (NM_001320705.2, NM_001379649.1); c.4625C>A, p.Pro1542Gln (NM_001330289.2); c.4673C>A, p.Pro1558Gln (NM_001330290.2, NM_001379648.1); c.4949C>A, p.Pro1650Gln (NM_001379631.1); c.4850C>A, p.Pro1617Gln (NM_001379632.1); c.4847C>A, p.Pro1616Gln (NM_001379633.1, NM_001379645.1); c.4700C>A, p.Pro1567Gln (NM_001379634.1); c.4697C>A, p.Pro1566Gln (NM_001379635.1, NM_001379646.1); and 7 more; short protein forms P1523Q, P1524Q, P1532Q, P1533Q, P1541Q, P1542Q, P1549Q, P1558Q.
Identifiers: ClinVar variation 3363587 (VCV003363587.1).

ClinVar aggregate classification (germline): Uncertain significance (1 of 4 stars; one submission).

Submission:

GeneDx
Classification: Uncertain significance. Last evaluated: 2023-10-31. Review status: criteria provided, single submitter. Criteria: GeneDx Variant Classification Process June 2021. Collection method: clinical testing. Allele origin: germline. Affected: yes.
Comment: Has not been previously published as pathogenic or benign to our knowledge; Not observed at significant frequency in large population cohorts (gnomAD); In silico analysis supports that this missense variant has a deleterious effect on protein structure/function